The following is an entry in ClinVar:

ClinVar aggregate classification (germline): Uncertain significance (1 of 4 stars; one submission).

Submission:

GeneDx
Classification: Uncertain significance. Last evaluated: 2025-08-06. Review status: criteria provided, single submitter. Criteria: GeneDx Variant Classification Process June 2021. Collection method: clinical testing. Allele origin: germline. Affected: yes.
Comment: Not observed at significant frequency in large population cohorts (gnomAD); In silico analysis supports that this missense variant has a deleterious effect on protein structure/function; Has not been previously published as pathogenic or benign to our knowledge

NM_004187.5(KDM5C):c.2129G>A (p.Cys710Tyr)

Gene: KDM5C (lysine demethylase 5C; minus strand). Cytogenetic location: Xp11.22.
Variant type: single nucleotide variant.
Coding change: c.2129G>A on transcript NM_004187.5 (MANE Select); coding-DNA position 2129, G replaced by A.
Protein change: p.Cys710Tyr; replaces cysteine 710 with tyrosine.
Molecular consequence: missense variant. On other transcripts: non-coding transcript variant (3).
Genome position (GRCh38, 1-based): chrX:53,199,091, C>T on the plus strand (G>A on the coding strand, the complement: KDM5C is on the minus strand). VCF-style: chrX-53199091-C-T. GRCh37 (hg19) VCF-style: chrX-53228273-C-T.
Other names: c.1928G>A, p.Cys643Tyr (NM_001146702.2); c.2126G>A, p.Cys709Tyr (NM_001282622.3, NM_001353979.2, NM_001353982.2); c.2129G>A, p.Cys710Tyr (NM_001353978.3, NM_001353981.2, NM_001353984.2); short protein forms C643Y, C709Y, C710Y.
Identifiers: ClinVar variation 4755789 (VCV004755789.1).